The following is an entry in ClinVar:

ClinVar aggregate classification (germline): Conflicting classifications of pathogenicity. Review status: criteria provided, conflicting classifications (1 of 4 stars). 7 submissions from 7 submitters: Uncertain significance (1); Benign (2); Likely benign (4). Last evaluated 2026-01-27.

Conditions:
COL6A2-related disorder.
Collagen 6-related myopathy. Identifiers: MedGen CN117976, MONDO:0100225.
Bethlem myopathy 1A. Also called: Bethlem myopathy 1; Bethlem Muscular Dystrophy; MYOPATHY, BENIGN CONGENITAL, WITH CONTRACTURES. Identifiers: Orphanet 610, MedGen CN029274, MONDO:0024530, OMIM 158810.

Allele frequency attached by ClinVar (database versions not stated): gnomAD 0.00006 and 0.00021; TOPMed 0.00009; ESP Exome Variant Server 0.00016; 1000 Genomes Project 30x 0.00031; ExAC 0.00144.
gnomAD v4.1: 482 of 1,579,578 alleles (0.031%); highest among the groups gnomAD compares: South Asian, 0.47%; 3 homozygotes.

Submissions (7):

Labcorp Genetics (formerly Invitae), Labcorp
Classification: Benign for Bethlem myopathy 1A. Last evaluated: 2026-01-27. Review status: criteria provided, single submitter. Criteria: Invitae Variant Classification Sherloc (09022015). Collection method: clinical testing. Allele origin: germline.

PreventionGenetics, part of Exact Sciences
Classification: Likely benign for COL6A2-related condition. Last evaluated: 2025-07-02. Review status: criteria provided, single submitter. Criteria: ACMG Guidelines, 2015. Collection method: clinical testing. Allele origin: germline.
Comment: This variant is classified as likely benign based on ACMG/AMP sequence variant interpretation guidelines (Richards et al. 2015 PMID: 25741868, with internal and published modifications).

Blueprint Genetics
Classification: Likely benign. Last evaluated: 2024-09-23. Review status: criteria provided, single submitter. Criteria: ACMG Guidelines, 2015. Collection method: clinical testing. Allele origin: germline.

CeGaT Center for Human Genetics Tuebingen
Classification: Likely benign. Last evaluated: 2024-07-01. Review status: criteria provided, single submitter. Criteria: CeGaT Center For Human Genetics Tuebingen Variant Classification Criteria Version 2. Collection method: clinical testing. Allele origin: germline. Affected: yes. Observed: 1 variant allele.
Comment: COL6A2: BP4, BP7

GeneDx
Classification: Likely benign. Last evaluated: 2021-06-21. Review status: criteria provided, single submitter. Criteria: GeneDx Variant Classification Process June 2021. Collection method: clinical testing. Allele origin: germline. Affected: yes.

Illumina Laboratory Services, Illumina
Classification: Benign for Collagen VI-related myopathy. Last evaluated: 2018-01-13. Review status: criteria provided, single submitter. Criteria: ICSL Variant Classification Criteria 13 December 2019. Collection method: clinical testing. Allele origin: germline.
Comment: This variant was observed in the ICSL laboratory as part of a predisposition screen in an ostensibly healthy population. It had not been previously curated by ICSL or reported in the Human Gene Mutation Database (HGMD: prior to June 1st, 2018), and was therefore a candidate for classification through an automated scoring system. Utilizing variant allele frequency, disease prevalence and penetrance estimates, and inheritance mode, an automated score was calculated to assess if this variant is too frequent to cause the disease. Based on the score and internal cut-off values, a variant classified as benign is not then subjected to further curation. The score for this variant resulted in a classification of benign for this disease.

Eurofins Ntd Llc (ga)
Classification: Uncertain significance. Last evaluated: 2017-11-22. Review status: criteria provided, single submitter. Criteria: EGL Classification Definitions 2015. Collection method: clinical testing. Allele origin: germline. Observed: 2 variant alleles, 2 heterozygotes.

NM_001849.4(COL6A2):c.2634G>A (p.Ala878=)

Gene: COL6A2 (collagen type VI alpha 2 chain; plus strand). Cytogenetic location: 21q22.3.
Variant type: single nucleotide variant.
Coding change: c.2634G>A on transcript NM_001849.4 (MANE Select); coding-DNA position 2634, G replaced by A.
Protein change: p.Ala878=; no amino-acid change (alanine 878 retained).
Molecular consequence: synonymous variant.
Genome position (GRCh38, 1-based): chr21:46,132,126, G>A. VCF-style: chr21-46132126-G-A. GRCh37 (hg19) VCF-style: chr21-47552040-G-A.
Identifiers: ClinVar variation 288081 (VCV000288081.42), dbSNP rs143749884, ClinGen allele CA10072959.